The following is an entry in ClinVar:

ClinVar aggregate classification (germline): Uncertain significance (1 of 4 stars; one submission).

Conditions:
Charcot-Marie-Tooth disease type 2. Also called: Charcot-Marie-Tooth type 2. Identifiers: Orphanet 64746, MedGen C0270914, MONDO:0018993.

Allele frequency attached by ClinVar (database versions not stated): gnomAD exomes below 0.00001.
gnomAD v4.1: 1 of 1,614,070 alleles (0.000062%); highest among the groups gnomAD compares: Non-Finnish European, 0.000085%; no homozygotes.

Submission:

Labcorp Genetics (formerly Invitae), Labcorp
Classification: Uncertain significance for Charcot-Marie-Tooth disease type 2. Last evaluated: 2024-10-15. Review status: criteria provided, single submitter. Criteria: Invitae Variant Classification Sherloc (09022015). Collection method: clinical testing. Allele origin: germline.
Comment: This sequence change replaces valine, which is neutral and non-polar, with leucine, which is neutral and non-polar, at codon 498 of the AARS protein (p.Val498Leu). This variant also falls at the last nucleotide of exon 11, which is part of the consensus splice site for this exon. This variant is not present in population databases (gnomAD no frequency). This variant has not been reported in the literature in individuals affected with AARS-related conditions. ClinVar contains an entry for this variant (Variation ID: 949610). An algorithm developed to predict the effect of missense changes on protein structure and function (PolyPhen-2) suggests that this variant is likely to be tolerated. Variants that disrupt the consensus splice site are a relatively common cause of aberrant splicing (PMID: 17576681, 9536098). Algorithms developed to predict the effect of sequence changes on RNA splicing suggest that this variant may disrupt the consensus splice site. In summary, the available evidence is currently insufficient to determine the role of this variant in disease. Therefore, it has been classified as a Variant of Uncertain Significance.

Literature cited by the submitters: PubMed 17576681; PubMed 9536098.

NM_001605.3(AARS1):c.1492G>T (p.Val498Leu)

Gene: AARS1 (alanyl-tRNA synthetase 1; minus strand). Cytogenetic location: 16q22.1.
Variant type: single nucleotide variant.
Coding change: c.1492G>T on transcript NM_001605.3 (MANE Select); coding-DNA position 1492, G replaced by T.
Protein change: p.Val498Leu; replaces valine 498 with leucine.
Molecular consequence: missense variant.
Genome position (GRCh38, 1-based): chr16:70,264,958, C>A on the plus strand (G>T on the coding strand, the complement: AARS1 is on the minus strand). VCF-style: chr16-70264958-C-A. GRCh37 (hg19) VCF-style: chr16-70298861-C-A.
Other names: short protein forms V498L.
Identifiers: ClinVar variation 949610 (VCV000949610.9), dbSNP rs1960227997, ClinGen allele CA396561079.